The following is an entry in ClinVar:

NM_001164508.2(NEB):c.1942A>T (p.Asn648Tyr)

Gene: NEB (nebulin; minus strand). Cytogenetic location: 2q23.3.
Variant type: single nucleotide variant.
Coding change: c.1942A>T on transcript NM_001164508.2 (MANE Select); coding-DNA position 1942, A replaced by T.
Protein change: p.Asn648Tyr; replaces asparagine 648 with tyrosine.
Molecular consequence: missense variant.
Genome position (GRCh38, 1-based): chr2:151,692,317, T>A on the plus strand (A>T on the coding strand, the complement: NEB is on the minus strand). VCF-style: chr2-151692317-T-A. GRCh37 (hg19) VCF-style: chr2-152548831-T-A.
Other names: c.1942A>T, p.Asn648Tyr (NM_001164507.2, NM_001271208.2, NM_004543.5); short protein forms N648Y.
Identifiers: ClinVar variation 533983 (VCV000533983.6), dbSNP rs1553592578, ClinGen allele CA348824163.

ClinVar aggregate classification (germline): Uncertain significance (1 of 4 stars; one submission).

Conditions:
Nemaline myopathy 2 (NEM2). Also called: Nemaline myopathy 2, autosomal recessive. Identifiers: MedGen C1850569, MONDO:0009725, OMIM 256030.

Allele frequency attached by ClinVar (database versions not stated): TOPMed below 0.00001; gnomAD 0.00001; gnomAD exomes 0.00001.
gnomAD v4.1: 8 of 1,613,502 alleles (0.0005%); highest among the groups gnomAD compares: African/African-American, 0.0013%; no homozygotes.

Submission:

Labcorp Genetics (formerly Invitae), Labcorp
Classification: Uncertain significance for Nemaline myopathy 2. Last evaluated: 2021-09-01. Review status: criteria provided, single submitter. Criteria: Invitae Variant Classification Sherloc (09022015). Collection method: clinical testing. Allele origin: germline.
Comment: This sequence change replaces asparagine with tyrosine at codon 648 of the NEB protein (p.Asn648Tyr). The asparagine residue is moderately conserved and there is a large physicochemical difference between asparagine and tyrosine. This variant is not present in population databases (ExAC no frequency). This variant has not been reported in the literature in individuals affected with NEB-related conditions. Algorithms developed to predict the effect of missense changes on protein structure and function are either unavailable or do not agree on the potential impact of this missense change (SIFT: "Deleterious"; PolyPhen-2: "Not Available"; Align-GVGD: "Class C0"). In summary, the available evidence is currently insufficient to determine the role of this variant in disease. Therefore, it has been classified as a Variant of Uncertain Significance.